The following is an entry in ClinVar:

NM_013450.4(BAZ2B):c.1145C>A (p.Ser382Tyr)

Genes: BAZ2B (bromodomain adjacent to zinc finger domain 2B; minus strand), LOC126806391 (MED14-independent group 3 enhancer GRCh37_chr2:160294250-160295449; plus strand). Cytogenetic location: 2q24.2.
Variant type: single nucleotide variant.
Coding change: c.1145C>A on transcript NM_013450.4 (MANE Select); coding-DNA position 1145, C replaced by A.
Protein change: p.Ser382Tyr; replaces serine 382 with tyrosine.
Molecular consequence: missense variant.
Genome position (GRCh38, 1-based): chr2:159,438,451, G>T on the plus strand (C>A on the coding strand, the complement: BAZ2B is on the minus strand). VCF-style: chr2-159438451-G-T. GRCh37 (hg19) VCF-style: chr2-160294962-G-T.
Other names: c.1139C>A, p.Ser380Tyr (NM_001289975.1); c.956C>A, p.Ser319Tyr (NM_001329857.2); c.1145C>A, p.Ser382Tyr (NM_001329858.2); short protein forms S382Y, S319Y, S380Y.
Identifiers: ClinVar variation 4997504 (VCV004997504.1).

ClinVar aggregate classification (germline): Uncertain significance (1 of 4 stars; one submission).

Conditions:
BAZ2B-related disorder. Also called: BAZ2B-related condition.

Submission:

PreventionGenetics, part of Exact Sciences
Classification: Uncertain significance for BAZ2B-related condition. Last evaluated: 2026-07-17. Review status: criteria provided, single submitter. Criteria: ACMG Guidelines, 2015. Collection method: clinical testing. Allele origin: germline.
Comment: The BAZ2B c.1139C>A variant is predicted to result in the amino acid substitution p.Ser380Tyr. To our knowledge, this variant has not been reported in the literature or in a large population database (gnomAD), indicating this variant is rare. At this time, the clinical significance of this variant is uncertain due to the absence of conclusive functional and genetic evidence.